The following is an entry in ClinVar:

ClinVar aggregate classification (germline): Pathogenic (1 of 4 stars; one submission).

Conditions:
Waardenburg syndrome type 2A (WS2A). Also called: WAARDENBURG SYNDROME WITHOUT DYSTOPIA CANTHORUM. Identifiers: Orphanet 3440, MedGen C1860339, MONDO:0008671, OMIM 193510.

Submission:

Institute of Rare Diseases, West China Hospital, Sichuan University
Classification: Pathogenic for Waardenburg syndrome type 2A. Last evaluated: 2025-01-09. Review status: criteria provided, single submitter. Criteria: ClinGen HL ACMG Specifications v1. Collection method: research. Allele origin: germline. Affected: yes.
Comment: PVS1;PP4;PM2_Supporting

NM_001354604.2(MITF):c.880+1del

Gene: MITF (melanocyte inducing transcription factor; plus strand). Cytogenetic location: 3p13.
Variant type: Deletion.
Coding change: c.880+1del on transcript NM_001354604.2 (MANE Select); the canonical splice donor site of the intron after coding-DNA position 880, one base deleted (G; older notation c.880+1delG).
Molecular consequence: splice donor variant.
Genome position (GRCh38, 1-based): chr3:69,949,169, G deleted; the last of 2 consecutive G bases (chr3:69,949,168-69,949,169); deleting either gives the same sequence. VCF-style (leftmost placement, unchanged base first): chr3-69949167-AG-A. GRCh37 (hg19) VCF-style: chr3-69998318-AG-A.
Other names: c.829+1del (NM_001354607.2); c.724+1del (NM_001354608.2, NM_001184967.2); c.880+1del (NM_198159.3); c.877+1del (NM_001354605.2, NM_001354606.2, NM_006722.3); c.832+1del (NM_198177.3); c.559+1del (NM_000248.4, NM_198158.3); c.391+1del (NM_198178.3).
Identifiers: ClinVar variation 3601254 (VCV003601254.1).
Genomic context (GRCh38, chr3:69,949,167, plus strand): 5'-AGGCCTCACCATCAGCAACTCCTGTCCAGCCAACCTTCCCAACATAAAAAGGGAGCTCAC[AG>A]GTAAACACCTAGTAAATGTGCCTCTTACTGCAGATTTCTGTCCATTTCCTGATAAGACAA-3'